The following is an entry in ClinVar:

ClinVar aggregate classification (germline): Likely benign. Review status: criteria provided, multiple submitters, no conflicts (2 of 4 stars). 4 submissions from 4 submitters: Likely benign (4). Last evaluated 2026-03-01.

Allele frequency attached by ClinVar (database versions not stated): gnomAD 0.00004.
gnomAD v4.1: 136 of 1,358,976 alleles (0.01%); highest among the groups gnomAD compares: Middle Eastern, 0.12%; no homozygotes.

Submissions (4):

CeGaT Center for Human Genetics Tuebingen
Classification: Likely benign. Last evaluated: 2026-03-01. Review status: criteria provided, single submitter. Criteria: CeGaT Center For Human Genetics Tuebingen Variant Classification Criteria Version 2. Collection method: clinical testing. Allele origin: germline. Affected: yes. Observed: 3 variant alleles.
Comment: ZSWIM6: BP4, BP7

Labcorp Genetics (formerly Invitae), Labcorp
Classification: Likely benign. Last evaluated: 2025-07-22. Review status: criteria provided, single submitter. Criteria: Invitae Variant Classification Sherloc (09022015). Collection method: clinical testing. Allele origin: germline.

Blueprint Genetics
Classification: Likely benign. Last evaluated: 2024-09-25. Review status: criteria provided, single submitter. Criteria: ACMG Guidelines, 2015. Collection method: clinical testing. Allele origin: germline.

Breakthrough Genomics
Classification: Likely benign. Review status: criteria provided, single submitter. Criteria: ACMG Guidelines, 2015. Collection method: not provided. Allele origin: germline. Inheritance: Autosomal dominant inheritance. Affected: yes.

NM_020928.2(ZSWIM6):c.306G>T (p.Pro102=)

Gene: ZSWIM6 (zinc finger SWIM-type containing 6; plus strand). Cytogenetic location: 5q12.1.
Variant type: single nucleotide variant.
Coding change: c.306G>T on transcript NM_020928.2 (MANE Select); coding-DNA position 306, G replaced by T.
Protein change: p.Pro102=; no amino-acid change (proline 102 retained).
Molecular consequence: synonymous variant.
Genome position (GRCh38, 1-based): chr5:61,332,578, G>T. VCF-style: chr5-61332578-G-T. GRCh37 (hg19) VCF-style: chr5-60628405-G-T.
Identifiers: ClinVar variation 916270 (VCV000916270.46), dbSNP rs772018109, ClinGen allele CA3278286.